The following is an entry in ClinVar:

ClinVar aggregate classification (germline): Uncertain significance (1 of 4 stars; one submission).

Conditions:
3-methylglutaconic aciduria, type VIIB (MGCA7B). Also called: CLPB Deficiency; 3-methylglutaconic aciduria with cataracts, neurologic involvement and neutropenia; 3-methylglutaconic aciduria, type VII, with cataracts, neurologic involvement and neutropenia. Identifiers: Orphanet 445038, MedGen C5676893, MONDO:0014561, OMIM 616271.

Allele frequency attached by ClinVar (database versions not stated): gnomAD exomes below 0.00001.
gnomAD v4.1: 1 of 1,613,520 alleles (0.000062%); highest among the groups gnomAD compares: South Asian, 0.0011%; no homozygotes.

Submission:

Labcorp Genetics (formerly Invitae), Labcorp
Classification: Uncertain significance for 3-methylglutaconic aciduria, type VIIB. Last evaluated: 2021-06-18. Review status: criteria provided, single submitter. Criteria: Invitae Variant Classification Sherloc (09022015). Collection method: clinical testing. Allele origin: germline.
Comment: In summary, the available evidence is currently insufficient to determine the role of this variant in disease. Therefore, it has been classified as a Variant of Uncertain Significance. Algorithms developed to predict the effect of missense changes on protein structure and function (SIFT, PolyPhen-2, Align-GVGD) all suggest that this variant is likely to be tolerated, but these predictions have not been confirmed by published functional studies and their clinical significance is uncertain. This variant has not been reported in the literature in individuals with CLPB-related conditions. This variant is not present in population databases (ExAC no frequency). This sequence change replaces threonine with isoleucine at codon 317 of the CLPB protein (p.Thr317Ile). The threonine residue is moderately conserved and there is a moderate physicochemical difference between threonine and isoleucine.

NM_001258392.3(CLPB):c.860C>T (p.Thr287Ile)

Gene: CLPB (ClpB family mitochondrial disaggregase; minus strand). Cytogenetic location: 11q13.4.
Variant type: single nucleotide variant.
Coding change: c.860C>T on transcript NM_001258392.3 (MANE Select); coding-DNA position 860, C replaced by T.
Protein change: p.Thr287Ile; replaces threonine 287 with isoleucine.
Molecular consequence: missense variant.
Genome position (GRCh38, 1-based): chr11:72,329,720, G>A on the plus strand (C>T on the coding strand, the complement: CLPB is on the minus strand). VCF-style: chr11-72329720-G-A. GRCh37 (hg19) VCF-style: chr11-72040764-G-A.
Other names: c.773C>T, p.Thr258Ile (NM_001258393.3); c.815C>T, p.Thr272Ile (NM_001258394.3); c.950C>T, p.Thr317Ile (NM_030813.6); short protein forms T287I, T272I, T258I, T317I.
Identifiers: ClinVar variation 1465557 (VCV001465557.8), dbSNP rs1318523407, ClinGen allele CA381741600.